The following is an entry in ClinVar:

NM_002471.4(MYH6):c.1129G>T (p.Asp377Tyr)

Gene: MYH6 (myosin heavy chain 6; minus strand). Cytogenetic location: 14q11.2.
Variant type: single nucleotide variant.
Coding change: c.1129G>T on transcript NM_002471.4 (MANE Select); coding-DNA position 1129, G replaced by T.
Protein change: p.Asp377Tyr; replaces aspartic acid 377 with tyrosine.
Molecular consequence: missense variant.
Genome position (GRCh38, 1-based): chr14:23,402,476, C>A on the plus strand (G>T on the coding strand, the complement: MYH6 is on the minus strand). VCF-style: chr14-23402476-C-A. GRCh37 (hg19) VCF-style: chr14-23871685-C-A.
Other names: short protein forms D377Y.
Identifiers: ClinVar variation 1715902 (VCV001715902.5), dbSNP rs767537703, ClinGen allele CA389025677.

ClinVar aggregate classification (germline): Uncertain significance (1 of 4 stars; one submission).

Conditions:
Hypertrophic cardiomyopathy 14. Identifiers: MedGen C2750467, MONDO:0013197, OMIM 613251.

Submission:

Labcorp Genetics (formerly Invitae), Labcorp
Classification: Uncertain significance for Hypertrophic cardiomyopathy 14. Last evaluated: 2022-08-09. Review status: criteria provided, single submitter. Criteria: Invitae Variant Classification Sherloc (09022015). Collection method: clinical testing. Allele origin: germline.
Comment: Algorithms developed to predict the effect of missense changes on protein structure and function are either unavailable or do not agree on the potential impact of this missense change (SIFT: "Deleterious"; PolyPhen-2: "Probably Damaging"; Align-GVGD: "Class C0"). In summary, the available evidence is currently insufficient to determine the role of this variant in disease. Therefore, it has been classified as a Variant of Uncertain Significance. This sequence change replaces aspartic acid, which is acidic and polar, with tyrosine, which is neutral and polar, at codon 377 of the MYH6 protein (p.Asp377Tyr). This variant is not present in population databases (gnomAD no frequency). This variant has not been reported in the literature in individuals affected with MYH6-related conditions.